The following is an entry in ClinVar:

ClinVar aggregate classification (germline): Conflicting classifications of pathogenicity. Review status: criteria provided, conflicting classifications (1 of 4 stars). 5 submissions from 5 submitters: Likely pathogenic (1); Uncertain significance (3); Likely benign (1). Last evaluated 2025-12-01.

Conditions:
Autism spectrum disorder. Also called: Autism spectrum disorders. Identifiers: MedGen C1510586, MeSH D000067877, MONDO:0005258.
Charcot-Marie-Tooth disease axonal type 2O. Also called: Charcot-Marie-Tooth disease, axonal, type 20; CHARCOT-MARIE-TOOTH NEUROPATHY, AXONAL, TYPE 2O; CHARCOT-MARIE-TOOTH DISEASE, AXONAL, AUTOSOMAL DOMINANT, TYPE 2O; Charcot-Marie-Tooth Neuropathy Type 2O. Identifiers: Orphanet 284232, MedGen C3280220, MONDO:0013644, OMIM 614228.
Cortical dysplasia, complex, with other brain malformations 13. Also called: Intellectual disability, autosomal dominant 13. Identifiers: MedGen C3281202, MONDO:0013805, OMIM 614563.
DYNC1H1-related disorder. Also called: DYNC1H1-related condition; DYNC1H1-related disorders. Identifiers: MedGen CN381529.

Allele frequency attached by ClinVar (database versions not stated): gnomAD exomes below 0.00001 and 0.00001.
gnomAD v4.1: 10 of 1,614,158 alleles (0.00062%); highest among the groups gnomAD compares: East Asian, 0.0022%; no homozygotes.

Submissions (5):

PreventionGenetics, part of Exact Sciences
Classification: Uncertain significance for DYNC1H1-related condition. Last evaluated: 2025-12-01. Review status: criteria provided, single submitter. Criteria: ACMG Guidelines, 2015. Collection method: clinical testing. Allele origin: germline.
Comment: The DYNC1H1 c.12419G>A variant is predicted to result in the amino acid substitution p.Arg4140His. This variant has been reported as de novo in an individual with neurodevelopmental disorder without epilepsy (Kim et al. 2022. PubMed ID: 36619507) and as a variant of uncertain significance in an individual from a large cohort study of Charcot-Marie-Tooth disease; however, additional evidence was not provided (Suppl. Table 2, Volodarsky et al. 2021. PubMed ID: 32376792). This variant is reported in 0.00088% of alleles in individuals of European (Non-Finnish) descent in gnomAD. At this time, the clinical significance of this variant is uncertain due to the absence of conclusive functional and genetic evidence.

Labcorp Genetics (formerly Invitae), Labcorp
Classification: Likely benign for Charcot-Marie-Tooth disease axonal type 2O. Last evaluated: 2025-04-02. Review status: criteria provided, single submitter. Criteria: Invitae Variant Classification Sherloc (09022015). Collection method: clinical testing. Allele origin: germline.

Women's Health and Genetics/Laboratory Corporation of America, LabCorp
Classification: Uncertain significance. Last evaluated: 2024-04-08. Review status: criteria provided, single submitter. Criteria: LabCorp Variant Classification Summary - May 2015. Collection method: clinical testing. Allele origin: germline.
Comment: Variant summary: DYNC1H1 c.12419G>A (p.Arg4140His) results in a non-conservative amino acid change located in the dynein heavy chain region D6 P-loop domain (IPR004273) of the encoded protein sequence. Three of four in-silico tools predict a damaging effect of the variant on protein function. The variant allele was found at a frequency of 4e-06 in 251374 control chromosomes. The available data on variant occurrences in the general population are insufficient to allow any conclusion about variant significance. c.12419G>A has been reported in the literature in at least one individuals affected with clinical features of DYNC1H1-Related Disorders (e.g., Volodarsky_2021). However, these report(s) do not provide unequivocal conclusions about association of the variant with DYNC1H1-Related Disorders. To our knowledge, no experimental evidence demonstrating an impact on protein function has been reported. The following publication has been ascertained in the context of this evaluation (PMID: 32376792). ClinVar contains an entry for this variant (Variation ID: 1424891). Based on the evidence outlined above, the variant was classified as uncertain significance.

Diagnostic Genetics, Severance Hospital, Yonsei University College of Medicine
Classification: Likely pathogenic for Cortical dysplasia, complex, with other brain malformations 13. Last evaluated: 2022-02-03. Review status: criteria provided, single submitter. Criteria: ACMG Guidelines, 2015. Collection method: clinical testing. Allele origin: de novo. Affected: yes.

Department of Genetics, Rouen University Hospital, Normandy Center for Genomic and Personalized Medicine
Classification: Uncertain significance for Autism spectrum disorder. Review status: criteria provided, single submitter. Criteria: ACMG Guidelines, 2015. Collection method: clinical testing. Allele origin: maternal. Affected: yes.

Literature cited by the submitters: PubMed 32376792 (cited by Women's Health and Genetics/Laboratory Corporation of America, LabCorp).

NM_001376.5(DYNC1H1):c.12419G>A (p.Arg4140His)

Gene: DYNC1H1 (dynein cytoplasmic 1 heavy chain 1; plus strand). Cytogenetic location: 14q32.31.
Variant type: single nucleotide variant.
Coding change: c.12419G>A on transcript NM_001376.5 (MANE Select); coding-DNA position 12419, G replaced by A.
Protein change: p.Arg4140His; replaces arginine 4140 with histidine.
Molecular consequence: missense variant.
Genome position (GRCh38, 1-based): chr14:102,042,654, G>A. VCF-style: chr14-102042654-G-A. GRCh37 (hg19) VCF-style: chr14-102508991-G-A.
Other names: short protein forms R4140H.
Identifiers: ClinVar variation 1424891 (VCV001424891.10), dbSNP rs770451110, ClinGen allele CA266979472.